The following is an entry in ClinVar:

ClinVar aggregate classification (germline): Uncertain significance (1 of 4 stars; one submission).

Submission:

Ambry Genetics
Classification: Uncertain significance. Last evaluated: 2025-07-28. Review status: criteria provided, single submitter. Criteria: Ambry Variant Classification Scheme 2023. Collection method: clinical testing. Allele origin: germline.
Comment: The p.G71S variant (also known as c.211G>A), located in coding exon 1 of the RNF43 gene, results from a G to A substitution at nucleotide position 211. The glycine at codon 71 is replaced by serine, an amino acid with similar properties. This amino acid position is conserved. In addition, this alteration is predicted to be tolerated by in silico analysis. Based on the available evidence, the clinical significance of this variant remains unclear.

NM_017763.6(RNF43):c.211G>A (p.Gly71Ser)

Gene: RNF43 (ring finger protein 43; minus strand). Cytogenetic location: 17q22.
Variant type: single nucleotide variant.
Coding change: c.211G>A on transcript NM_017763.6 (MANE Select); coding-DNA position 211, G replaced by A.
Protein change: p.Gly71Ser; replaces glycine 71 with serine.
Molecular consequence: missense variant. On other transcripts: intron variant (1).
Genome position (GRCh38, 1-based): chr17:58,415,367, C>T on the plus strand (G>A on the coding strand, the complement: RNF43 is on the minus strand). VCF-style: chr17-58415367-C-T. GRCh37 (hg19) VCF-style: chr17-56492728-C-T.
Other names: c.211G>A, p.Gly71Ser (NM_001305544.3, NM_001438820.1, NM_001438821.1 and 1 more transcripts); c.-130+1650G>A (NM_001437987.1); short protein forms G71S.
Identifiers: ClinVar variation 4155762 (VCV004155762.1).